The following is an entry in ClinVar:

NM_000238.4(KCNH2):c.2767C>T (p.Pro923Ser)

Gene: KCNH2 (potassium voltage-gated channel subfamily H member 2; minus strand). Cytogenetic location: 7q36.1.
Variant type: single nucleotide variant.
Coding change: c.2767C>T on transcript NM_000238.4 (MANE Select); coding-DNA position 2767, C replaced by T.
Protein change: p.Pro923Ser; replaces proline 923 with serine.
Molecular consequence: missense variant.
Genome position (GRCh38, 1-based): chr7:150,947,804, G>A on the plus strand (C>T on the coding strand, the complement: KCNH2 is on the minus strand). VCF-style: chr7-150947804-G-A. GRCh37 (hg19) VCF-style: chr7-150644892-G-A.
Other names: c.2479C>T, p.Pro827Ser (NM_001406753.1); c.1747C>T, p.Pro583Ser (NM_172057.3); short protein forms P583S, P827S, P923S.
Identifiers: ClinVar variation 3070775 (VCV003070775.1), dbSNP rs1800970599, ClinGen allele CA369853435.

ClinVar aggregate classification (germline): Uncertain significance (1 of 4 stars; one submission).

Conditions:
Long QT syndrome (LQTS). Identifiers: MedGen C0023976, MeSH D008133, MONDO:0002442. Disease mechanism: loss of function. Inheritance: Various modes of inheritance.

Allele frequency attached by ClinVar (database versions not stated): TOPMed below 0.00001.

Submission:

All of Us Research Program, National Institutes of Health
Classification: Uncertain significance for Long QT syndrome. Last evaluated: 2023-05-04. Review status: criteria provided, single submitter. Criteria: ACMG Guidelines, 2015. Collection method: clinical testing. Allele origin: germline. Inheritance: Autosomal dominant inheritance. Observed: 1 variant allele, 1 heterozygote.
Comment: This missense variant replaces proline with serine at codon 923 of the KCNH2 protein. Computational prediction suggests that this variant may not impact protein structure and function (internally defined REVEL score threshold <= 0.5, PMID: 27666373). To our knowledge, functional studies have not been reported for this variant. This variant has not been reported in individuals affected with KCNH2-related disorders in the literature. This variant has not been identified in the general population by the Genome Aggregation Database (gnomAD). The available evidence is insufficient to determine the role of this variant in disease conclusively. Therefore, this variant is classified as a Variant of Uncertain Significance.

This study involves interpretation of variants in research participants for the purpose of population health screening. Participant phenotype was not available at the time of variant classification. Additional details can be found in publication PMID: 35346344, PMCID: PMC8962531